The following is an entry in ClinVar:

ClinVar aggregate classification (germline): Uncertain significance. Review status: criteria provided, multiple submitters, no conflicts (2 of 4 stars). 3 submissions from 3 submitters: Uncertain significance (3). Last evaluated 2023-05-07.

Conditions:
Developmental and epileptic encephalopathy, 69. Also called: EPILEPTIC ENCEPHALOPATHY, EARLY INFANTILE, 69. Identifiers: MedGen C4748988, MONDO:0032657, OMIM 618285.

Allele frequency attached by ClinVar (database versions not stated): gnomAD 0.00001.
gnomAD v4.1: 3 of 1,613,502 alleles (0.00019%); highest among the groups gnomAD compares: Admixed American, 0.0017%; no homozygotes.

Submissions (3):

GeneDx
Classification: Uncertain significance. Last evaluated: 2023-05-07. Review status: criteria provided, single submitter. Criteria: GeneDx Variant Classification Process June 2021. Collection method: clinical testing. Allele origin: germline. Affected: yes.
Comment: Not observed at significant frequency in large population cohorts (gnomAD); In silico analysis supports that this missense variant has a deleterious effect on protein structure/function; Has not been previously published as pathogenic or benign to our knowledge

Genome-Nilou Lab
Classification: Uncertain significance for Developmental and epileptic encephalopathy, 69. Last evaluated: 2023-04-11. Review status: criteria provided, single submitter. Criteria: ACMG Guidelines, 2015. Collection method: clinical testing. Allele origin: germline. Affected: no.

Labcorp Genetics (formerly Invitae), Labcorp
Classification: Uncertain significance. Last evaluated: 2021-08-25. Review status: criteria provided, single submitter. Criteria: Invitae Variant Classification Sherloc (09022015). Collection method: clinical testing. Allele origin: germline.
Comment: This variant has not been reported in the literature in individuals affected with CACNA1E-related conditions. In summary, the available evidence is currently insufficient to determine the role of this variant in disease. Therefore, it has been classified as a Variant of Uncertain Significance. Algorithms developed to predict the effect of missense changes on protein structure and function are either unavailable or do not agree on the potential impact of this missense change (SIFT: "Deleterious"; PolyPhen-2: "Probably Damaging"; Align-GVGD: "Class C15"). This variant is not present in population databases (ExAC no frequency). This sequence change replaces aspartic acid with asparagine at codon 1280 of the CACNA1E protein (p.Asp1280Asn). The aspartic acid residue is highly conserved and there is a small physicochemical difference between aspartic acid and asparagine.

NM_001205293.3(CACNA1E):c.3838G>A (p.Asp1280Asn)

Gene: CACNA1E (calcium voltage-gated channel subunit alpha1 E; plus strand). Cytogenetic location: 1q25.3.
Variant type: single nucleotide variant.
Coding change: c.3838G>A on transcript NM_001205293.3 (MANE Select); coding-DNA position 3838, G replaced by A.
Protein change: p.Asp1280Asn; replaces aspartic acid 1280 with asparagine.
Molecular consequence: missense variant.
Genome position (GRCh38, 1-based): chr1:181,755,246, G>A. VCF-style: chr1-181755246-G-A. GRCh37 (hg19) VCF-style: chr1-181724382-G-A.
Other names: c.3838G>A (NM_000721.3); c.3838G>A, p.Asp1280Asn (NM_000721.4); c.3781G>A, p.Asp1261Asn (NM_001205294.2); short protein forms D1280N, D1261N.
Identifiers: ClinVar variation 1372444 (VCV001372444.7), dbSNP rs1169304498, ClinGen allele CA343622890.